The following is an entry in ClinVar:

NM_017849.4(TMEM127):c.664G>A (p.Ala222Thr)

Gene: TMEM127 (transmembrane protein 127; minus strand). Cytogenetic location: 2q11.2.
Variant type: single nucleotide variant.
Coding change: c.664G>A on transcript NM_017849.4 (MANE Select); coding-DNA position 664, G replaced by A.
Protein change: p.Ala222Thr; replaces alanine 222 with threonine.
Molecular consequence: missense variant.
Genome position (GRCh38, 1-based): chr2:96,253,861, C>T on the plus strand (G>A on the coding strand, the complement: TMEM127 is on the minus strand). VCF-style: chr2-96253861-C-T. GRCh37 (hg19) VCF-style: chr2-96919599-C-T.
Other names: c.664G>A, p.Ala222Thr (NM_001193304.3); c.412G>A, p.Ala138Thr (NM_001407282.1, NM_001407283.1); short protein forms A138T, A222T.
Identifiers: ClinVar variation 2907988 (VCV002907988.4), dbSNP rs747098700, ClinGen allele CA1777261.

ClinVar aggregate classification (germline): Uncertain significance. Review status: criteria provided, multiple submitters, no conflicts (2 of 4 stars). 2 submissions from 2 submitters: Uncertain significance (2). Last evaluated 2026-07-06.

Conditions:
Hereditary pheochromocytoma and paraganglioma. Also called: Hereditary Paraganglioma-Pheochromocytoma Syndromes; Hereditary paragangliomas and pheochromocytomas; Hereditary pheochromocytoma-paraganglioma. Identifiers: Orphanet 29072, MedGen C4274332, MONDO:0017366.
Hereditary cancer-predisposing syndrome. Also called: Hereditary Cancer Syndrome; Hereditary neoplastic syndrome; Neoplastic Syndromes, Hereditary; Tumor predisposition. Identifiers: Orphanet 140162, MedGen C0027672, MeSH D009386, MONDO:0015356.

Allele frequency attached by ClinVar (database versions not stated): ExAC 0.00001.
gnomAD v4.1: 1 of 1,613,986 alleles (0.000062%); highest among the groups gnomAD compares: Admixed American, 0.0017%; no homozygotes.

Submissions (2):

Ambry Genetics
Classification: Uncertain significance for Hereditary cancer-predisposing syndrome. Last evaluated: 2026-07-06. Review status: criteria provided, single submitter. Criteria: Ambry Variant Classification Scheme 2023. Collection method: clinical testing. Allele origin: germline.
Comment: The p.A222T variant (also known as c.664G>A), located in coding exon 3 of the TMEM127 gene, results from a G to A substitution at nucleotide position 664. The alanine at codon 222 is replaced by threonine, an amino acid with similar properties. This amino acid position is conserved. In addition, the in silico prediction for this alteration is inconclusive. Based on the available evidence, the clinical significance of this variant remains unclear.

Labcorp Genetics (formerly Invitae), Labcorp
Classification: Uncertain significance for Hereditary pheochromocytoma and paraganglioma. Last evaluated: 2023-02-13. Review status: criteria provided, single submitter. Criteria: Invitae Variant Classification Sherloc (09022015). Collection method: clinical testing. Allele origin: germline.
Comment: Algorithms developed to predict the effect of missense changes on protein structure and function are either unavailable or do not agree on the potential impact of this missense change (SIFT: "Deleterious"; PolyPhen-2: "Benign"; Align-GVGD: "Class C55"). In summary, the available evidence is currently insufficient to determine the role of this variant in disease. Therefore, it has been classified as a Variant of Uncertain Significance. This variant has not been reported in the literature in individuals affected with TMEM127-related conditions. This variant is present in population databases (rs747098700, gnomAD 0.003%). This sequence change replaces alanine, which is neutral and non-polar, with threonine, which is neutral and polar, at codon 222 of the TMEM127 protein (p.Ala222Thr).